The following is an entry in ClinVar:

ClinVar aggregate classification (germline): Uncertain significance (1 of 4 stars; one submission).

Conditions:
SEMA3F-related disorder. Also called: SEMA3F-related condition.

Submission:

PreventionGenetics, part of Exact Sciences
Classification: Uncertain significance for SEMA3F-related condition. Last evaluated: 2026-06-02. Review status: criteria provided, single submitter. Criteria: ACMG Guidelines, 2015. Collection method: clinical testing. Allele origin: germline.
Comment: The SEMA3F c.889G>A variant is predicted to result in the amino acid substitution p.Gly297Arg. To our knowledge, this variant has not been reported in the literature or in a large population database (gnomAD) indicating this variant is rare. At this time, the clinical significance of this variant is uncertain due to the absence of conclusive functional and genetic evidence.

NM_004186.5(SEMA3F):c.889G>A (p.Gly297Arg)

Gene: SEMA3F (semaphorin 3F; plus strand). Cytogenetic location: 3p21.31.
Variant type: single nucleotide variant.
Coding change: c.889G>A on transcript NM_004186.5 (MANE Select); coding-DNA position 889, G replaced by A.
Protein change: p.Gly297Arg; replaces glycine 297 with arginine.
Molecular consequence: missense variant.
Genome position (GRCh38, 1-based): chr3:50,182,769, G>A. VCF-style: chr3-50182769-G-A. GRCh37 (hg19) VCF-style: chr3-50220202-G-A.
Other names: c.592G>A, p.Gly198Arg (NM_001318798.2); c.796G>A, p.Gly266Arg (NM_001318800.2); short protein forms G297R, G266R, G198R.
Identifiers: ClinVar variation 4991352 (VCV004991352.1).